The following is an entry in ClinVar:

ClinVar aggregate classification (germline): Pathogenic (1 of 4 stars; one submission).

Conditions:
LAMA2-related muscular dystrophy (LAMA2-RD). Also called: Laminin alpha 2-related dystrophy. Identifiers: MedGen C5679788, MONDO:0100228.

Submission:

Labcorp Genetics (formerly Invitae), Labcorp
Classification: Pathogenic for LAMA2-related muscular dystrophy. Last evaluated: 2022-09-16. Review status: criteria provided, single submitter. Criteria: Invitae Variant Classification Sherloc (09022015). Collection method: clinical testing. Allele origin: unknown.
Comment: For these reasons, this variant has been classified as Pathogenic. A similar copy number variant has been observed in individual(s) with LAMA2-related muscular dystrophy (PMID: 30301903). This variant is a gross deletion of the genomic region encompassing exon(s) 2-12 of the LAMA2 gene. This deletion is out-of-frame, and is expected to create a premature termination codon and result in an absent or disrupted protein product. Loss-of-function variants in LAMA2 are known to be pathogenic (PMID: 18700894, 32904964).

Literature cited by the submitters: PubMed 30301903; PubMed 18700894; PubMed 32904964.

NC_000006.11:g.(?_129371043)_(129514018_?)del

Gene: LAMA2 (laminin subunit alpha 2; plus strand). Cytogenetic location: 6q22.33.
Variant type: Deletion.
Identifiers: ClinVar variation 3246054 (VCV003246054.1).